The following is an entry in ClinVar:

NM_014252.4(SLC25A15):c.*353A>G

Gene: SLC25A15 (solute carrier family 25 member 15; plus strand). Cytogenetic location: 13q14.11.
Variant type: single nucleotide variant.
Coding change: c.*353A>G on transcript NM_014252.4 (MANE Select); 353 bases downstream of the stop codon, A replaced by G.
Molecular consequence: 3 prime UTR variant.
Genome position (GRCh38, 1-based): chr13:40,810,020, A>G. VCF-style: chr13-40810020-A-G. GRCh37 (hg19) VCF-style: chr13-41384156-A-G.
Identifiers: ClinVar variation 312187 (VCV000312187.6), dbSNP rs9549293, ClinGen allele CA10644539.
Genomic context (GRCh38, chr13:40,810,020, plus strand): 5'-AGGGCTTTTACGTAAACCTCCACTTGTACATGCAATTTGGACAGTTATGTGTTGAGGGAA[A>G]TACAGTTTGGTACCTTGTTTATTTCAAATATCAGAAAAACCCAGAGGTGATCATTTCTCA-3'

ClinVar aggregate classification (germline): Benign. Review status: criteria provided, multiple submitters, no conflicts (2 of 4 stars). 2 submissions from 2 submitters: Benign (2). Last evaluated 2018-01-13.

Conditions:
Hyperornithinemia-hyperammonemia-homocitrullinuria syndrome (HHHS). Also called: HHH SYNDROME; Ornithine translocase deficiency. Identifiers: Orphanet 415, MedGen C0268540, MONDO:0009393, OMIM 238970.

Allele frequency attached by ClinVar (database versions not stated): TOPMed 0.39244; gnomAD 0.39328 and 0.39630; 1000 Genomes Project 30x 0.41708; 1000 Genomes Project 0.42372.
gnomAD v4.1: 129,713 of 319,778 alleles (41%); highest among the groups gnomAD compares: East Asian, 53%; 27,677 homozygotes.

Submissions (2):

Illumina Laboratory Services, Illumina
Classification: Benign for Hyperornithinemia-hyperammonemia-homocitrullinuria syndrome. Last evaluated: 2018-01-13. Review status: criteria provided, single submitter. Criteria: ICSL Variant Classification Criteria 13 December 2019. Collection method: clinical testing. Allele origin: germline.
Comment: This variant was observed in the ICSL laboratory as part of a predisposition screen in an ostensibly healthy population. It had not been previously curated by ICSL or reported in the Human Gene Mutation Database (HGMD: prior to June 1st, 2018), and was therefore a candidate for classification through an automated scoring system. Utilizing variant allele frequency, disease prevalence and penetrance estimates, and inheritance mode, an automated score was calculated to assess if this variant is too frequent to cause the disease. Based on the score and internal cut-off values, a variant classified as benign is not then subjected to further curation. The score for this variant resulted in a classification of benign for this disease.

Breakthrough Genomics
Classification: Benign. Review status: criteria provided, single submitter. Criteria: ACMG Guidelines, 2015. Collection method: not provided. Allele origin: germline. Inheritance: Autosomal recessive inheritance. Affected: yes.